The following is an entry in ClinVar:

ClinVar aggregate classification (germline): Uncertain significance (1 of 4 stars; one submission).

Conditions:
Primary ciliary dyskinesia. Also called: Ciliary dyskinesia. Identifiers: Orphanet 244, MedGen C0008780, MONDO:0016575, HP:0012265.

Allele frequency attached by ClinVar (database versions not stated): gnomAD exomes below 0.00001 and 0.00001; TOPMed 0.00001.
gnomAD v4.1: 1 of 1,612,878 alleles (0.000062%); highest among the groups gnomAD compares: African/African-American, 0.0013%; no homozygotes.

Submission:

Labcorp Genetics (formerly Invitae), Labcorp
Classification: Uncertain significance for Primary ciliary dyskinesia. Last evaluated: 2018-08-25. Review status: criteria provided, single submitter. Criteria: Invitae Variant Classification Sherloc (09022015). Collection method: clinical testing. Allele origin: germline.
Comment: This sequence change replaces histidine with asparagine at codon 77 of the DNAH8 protein (p.His77Asn). The histidine residue is weakly conserved and there is a small physicochemical difference between histidine and asparagine. This variant is not present in population databases (ExAC no frequency). This variant has not been reported in the literature in individuals with DNAH8-related disease. Algorithms developed to predict the effect of missense changes on protein structure and function are either unavailable or do not agree on the potential impact of this missense change (SIFT: "Tolerated"; PolyPhen-2: "Not Available"; Align-GVGD: "Class C0"). In summary, the available evidence is currently insufficient to determine the role of this variant in disease. Therefore, it has been classified as a Variant of Uncertain Significance.

NM_001206927.2(DNAH8):c.229C>A (p.His77Asn)

Genes: DNAH8 (dynein axonemal heavy chain 8; plus strand), LOC126859667 (BRD4-independent group 4 enhancer GRCh37_chr6:38690326-38691525; plus strand). Cytogenetic location: 6p21.2.
Variant type: single nucleotide variant.
Coding change: c.229C>A on transcript NM_001206927.2 (MANE Select); coding-DNA position 229, C replaced by A.
Protein change: p.His77Asn; replaces histidine 77 with asparagine.
Molecular consequence: missense variant. On other transcripts: 5 prime UTR variant (1).
Genome position (GRCh38, 1-based): chr6:38,723,038, C>A. VCF-style: chr6-38723038-C-A. GRCh37 (hg19) VCF-style: chr6-38690814-C-A.
Other names: c.-338C>A (NM_001371.4); short protein forms H77N.
Identifiers: ClinVar variation 652800 (VCV000652800.9), dbSNP rs1357378794, ClinGen allele CA363984688.
Genomic context (GRCh38, chr6:38,723,038, plus strand): 5'-TCTGTGGTGGATTATCGGGATCTCATTCCTTCTGAAGAAGGGATAGTTCTTCCAGATGAT[C>A]ATGAAGCGGATCTGAATAGAGTTCGACAGAGGCTTGCACCGCGACCGGTTCAGTCAGTGA-3'
Protein context (NP_001193856.1, residues 67-87): SEEGIVLPDD[His77Asn]EADLNRVRQR